The following is an entry in ClinVar:

ClinVar aggregate classification (germline): Uncertain significance (1 of 4 stars; one submission).

gnomAD v4.1: 5 of 1,613,228 alleles (0.00031%); highest among the groups gnomAD compares: Non-Finnish European, 0.00034%; no homozygotes.

Submission:

Labcorp Genetics (formerly Invitae), Labcorp
Classification: Uncertain significance. Last evaluated: 2023-10-22. Review status: criteria provided, single submitter. Criteria: Invitae Variant Classification Sherloc (09022015). Collection method: clinical testing. Allele origin: germline.
Comment: This sequence change replaces valine, which is neutral and non-polar, with leucine, which is neutral and non-polar, at codon 445 of the LZTR1 protein (p.Val445Leu). This variant is present in population databases (rs201070853, gnomAD 0.003%). This variant has not been reported in the literature in individuals affected with LZTR1-related conditions. Advanced modeling of protein sequence and biophysical properties (such as structural, functional, and spatial information, amino acid conservation, physicochemical variation, residue mobility, and thermodynamic stability) performed at Invitae indicates that this missense variant is not expected to disrupt LZTR1 protein function. In summary, the available evidence is currently insufficient to determine the role of this variant in disease. Therefore, it has been classified as a Variant of Uncertain Significance.

NM_006767.4(LZTR1):c.1333G>T (p.Val445Leu)

Gene: LZTR1 (leucine zipper like post translational regulator 1; plus strand). Cytogenetic location: 22q11.21.
Variant type: single nucleotide variant.
Coding change: c.1333G>T on transcript NM_006767.4 (MANE Select); coding-DNA position 1333, G replaced by T.
Protein change: p.Val445Leu; replaces valine 445 with leucine.
Molecular consequence: missense variant.
Genome position (GRCh38, 1-based): chr22:20,993,734, G>T. VCF-style: chr22-20993734-G-T. GRCh37 (hg19) VCF-style: chr22-21348023-G-T.
Other names: short protein forms V445L.
Identifiers: ClinVar variation 2891315 (VCV002891315.3), dbSNP rs201070853, ClinGen allele CA10118818.